The following is an entry in ClinVar:

NM_000051.4(ATM):c.342G>A (p.Arg114=)

Gene: ATM (ATM serine/threonine kinase; plus strand). Cytogenetic location: 11q22.3.
Variant type: single nucleotide variant.
Coding change: c.342G>A on transcript NM_000051.4 (MANE Select); coding-DNA position 342, G replaced by A.
Protein change: p.Arg114=; no amino-acid change (arginine 114 retained).
Molecular consequence: synonymous variant.
Genome position (GRCh38, 1-based): chr11:108,235,680, G>A. VCF-style: chr11-108235680-G-A. GRCh37 (hg19) VCF-style: chr11-108106407-G-A.
Other names: c.342G>A, p.Arg114= (NM_001351834.2).
Identifiers: ClinVar variation 453467 (VCV000453467.16), dbSNP rs1555059036, ClinGen allele CA476670343.

ClinVar aggregate classification (germline): Benign/Likely benign. Review status: criteria provided, multiple submitters, no conflicts (2 of 4 stars). 3 submissions from 3 submitters: Benign (1); Likely benign (2). Last evaluated 2024-04-19.

Conditions:
Hereditary cancer-predisposing syndrome. Also called: Tumor predisposition; Hereditary Cancer Syndrome; Neoplastic Syndromes, Hereditary; Hereditary neoplastic syndrome. Identifiers: Orphanet 140162, MedGen C0027672, MeSH D009386, MONDO:0015356.
Familial cancer of breast. Also called: Hereditary breast cancer; hereditary breast carcinoma; BREAST CANCER, FAMILIAL. Identifiers: Orphanet 227535, MedGen C0346153, MONDO:0016419, OMIM 114480. Disease mechanism: loss of function.
Ataxia-telangiectasia syndrome (AT). Also called: Cerebello-oculocutaneous telangiectasia; Immunodeficiency with ataxia telangiectasia; Ataxia-telangiectasia, complementation group D; AT, COMPLEMENTATION GROUP C; Ataxia-telangiectasia, complementation group E; LOUIS-BAR SYNDROME. Identifiers: Orphanet 100, MedGen C0004135, MONDO:0008840, OMIM 208900.

Submissions (3):

Myriad Genetics, Inc.
Classification: Benign for Familial cancer of breast. Last evaluated: 2024-04-19. Review status: criteria provided, single submitter. Criteria: Myriad Autosomal Dominant, Autosomal Recessive and X-Linked Classification Criteria (2023). Collection method: clinical testing. Allele origin: unknown.
Comment: This variant is considered benign. This variant is a silent/synonymous amino acid change and it is not expected to impact splicing.

Labcorp Genetics (formerly Invitae), Labcorp
Classification: Likely benign for Ataxia-telangiectasia syndrome. Last evaluated: 2023-10-19. Review status: criteria provided, single submitter. Criteria: Invitae Variant Classification Sherloc (09022015). Collection method: clinical testing. Allele origin: germline.

Ambry Genetics
Classification: Likely benign for Hereditary cancer-predisposing syndrome. Last evaluated: 2016-04-01. Review status: criteria provided, single submitter. Criteria: Ambry Variant Classification Scheme 2023. Collection method: clinical testing. Allele origin: germline.